The following is an entry in ClinVar:

ClinVar aggregate classification (germline): Uncertain significance (1 of 4 stars; one submission).

Conditions:
Intellectual developmental disorder, autosomal recessive 18, with or without epilepsy. Also called: Intellectual disability, autosomal recessive 18. Identifiers: Orphanet 88616, MedGen C3280265, MONDO:0013651, OMIM 614249.

gnomAD v4.1: 3 of 1,613,818 alleles (0.00019%); highest among the groups gnomAD compares: South Asian, 0.0022%; no homozygotes.

Submission:

Institute of Human Genetics, University of Leipzig Medical Center
Classification: Uncertain significance for Intellectual developmental disorder, autosomal recessive 18, with or without epilepsy. Last evaluated: 2025-03-04. Review status: criteria provided, single submitter. Criteria: ACMG Guidelines, 2015. Collection method: clinical testing. Allele origin: unknown. Inheritance: Autosomal recessive inheritance. Affected: yes.
Comment: Criteria applied: PM2,PM3_SUP

NM_004830.4(MED23):c.1957A>G (p.Ile653Val)

Gene: MED23 (mediator complex subunit 23; minus strand). Cytogenetic location: 6q23.2.
Variant type: single nucleotide variant.
Coding change: c.1957A>G on transcript NM_004830.4 (MANE Select); coding-DNA position 1957, A replaced by G.
Protein change: p.Ile653Val; replaces isoleucine 653 with valine.
Molecular consequence: missense variant.
Genome position (GRCh38, 1-based): chr6:131,602,356, T>C on the plus strand (A>G on the coding strand, the complement: MED23 is on the minus strand). VCF-style: chr6-131602356-T-C. GRCh37 (hg19) VCF-style: chr6-131923496-T-C.
Other names: c.1957A>G, p.Ile653Val (NM_001270521.2, NM_001270522.2, NM_001376519.1 and 3 more transcripts); c.1975A>G, p.Ile659Val (NM_001376517.1, NM_015979.4); c.1903A>G, p.Ile635Val (NM_001376518.1); c.1816A>G, p.Ile606Val (NM_001376520.1); c.1702A>G, p.Ile568Val (NM_001376523.1); short protein forms I568V, I606V, I635V, I653V, I659V.
Identifiers: ClinVar variation 3773735 (VCV003773735.2).